The following is an entry in ClinVar:

NM_000554.6(CRX):c.101-1G>T

Gene: CRX (cone-rod homeobox; plus strand). Cytogenetic location: 19q13.33.
Variant type: single nucleotide variant.
Coding change: c.101-1G>T on transcript NM_000554.6 (MANE Select); the canonical splice acceptor site of the intron before coding-DNA position 101, G replaced by T.
Molecular consequence: splice acceptor variant.
Genome position (GRCh38, 1-based): chr19:47,836,242, G>T. VCF-style: chr19-47836242-G-T. GRCh37 (hg19) VCF-style: chr19-48339499-G-T.
Identifiers: ClinVar variation 858053 (VCV000858053.10), dbSNP rs1968115710, ClinGen allele CA406629353.

ClinVar aggregate classification (germline): Pathogenic (1 of 4 stars; one submission).

Conditions:
Cone-rod dystrophy 2 (CORD2). Also called: CONE-ROD RETINAL DYSTROPHY; Cone-rod retinal dystrophy 2. Identifiers: Orphanet 1872, MedGen C3489532, MONDO:0007362, OMIM 120970.
Leber congenital amaurosis 7 (LCA7). Identifiers: Orphanet 65, MedGen C3151192, MONDO:0013449, OMIM 613829.

Submission:

Labcorp Genetics (formerly Invitae), Labcorp
Classification: Pathogenic for Cone-rod dystrophy 2; Leber congenital amaurosis 7. Last evaluated: 2023-12-07. Review status: criteria provided, single submitter. Criteria: Invitae Variant Classification Sherloc (09022015). Collection method: clinical testing. Allele origin: germline.
Comment: This sequence change affects an acceptor splice site in intron 2 of the CRX gene. It is expected to disrupt RNA splicing. Variants that disrupt the donor or acceptor splice site typically lead to a loss of protein function (PMID: 16199547), and loss-of-function variants in CRX are known to be pathogenic (PMID: 27208204, 31626798, 35934205). This variant is not present in population databases (gnomAD no frequency). Disruption of this splice site has been observed in individuals with Leber congenital amaurosis and/or inherited retinal disease (PMID: 32165824; Invitae). It has also been observed to segregate with disease in related individuals. ClinVar contains an entry for this variant (Variation ID: 858053). Studies have shown that disruption of this splice site alters mRNA splicing and is expected to lead to the loss of protein expression (PMID: 36464167). For these reasons, this variant has been classified as Pathogenic.

Literature cited by the submitters: PubMed 16199547; PubMed 27208204; PubMed 31626798; PubMed 35934205; PubMed 32165824; PubMed 36464167.